The following is an entry in ClinVar:

NM_012330.4(KAT6B):c.3974_3987del (p.Arg1325fs)

Gene: KAT6B (lysine acetyltransferase 6B; plus strand). Cytogenetic location: 10q22.2.
Variant type: Deletion.
Coding change: c.3974_3987del on transcript NM_012330.4 (MANE Select); coding-DNA positions 3974 to 3987, 14 bases deleted (GAAGGGAAGAAACA).
Protein change: p.Arg1325fs; shifts the reading frame from arginine 1325.
Molecular consequence: frameshift variant.
Genome position (GRCh38, 1-based): chr10:75,028,798-75,028,811, GAAGGGAAGAAACA deleted; deleting any 14 consecutive bases within chr10:75,028,793-75,028,811 gives the same sequence; the c. name uses the placement nearest the transcript's 3' end. VCF-style (leftmost placement, unchanged base first): chr10-75028792-AAAACAGAAGGGAAG-A. GRCh37 (hg19) VCF-style: chr10-76788550-AAAACAGAAGGGAAG-A.
Other names: c.3098_3111del, p.Arg1033fs (NM_001370141.1, NM_001256469.2, NM_001370139.1 and 2 more transcripts); c.3425_3438del, p.Arg1142fs (NM_001256468.2, NM_001370138.1); c.2936_2949del, p.Arg979fs (NM_001370132.1); c.2285_2298del, p.Arg762fs (NM_001370133.1); c.1889_1902del, p.Arg630fs (NM_001370134.1); c.1631_1644del, p.Arg544fs (NM_001370135.1); c.3974_3987del, p.Arg1325fs (NM_001370136.1, NM_001370137.1); c.2909_2922del, p.Arg970fs (NM_001370143.1, NM_001370144.1); short protein forms R1033fs, R1142fs, R1325fs, R544fs, R630fs, R762fs, R970fs, R979fs.
Identifiers: ClinVar variation 1186640 (VCV001186640.2), dbSNP rs2134235615, ClinGen allele CA2499220381.
Genomic context (GRCh38, chr10:75,028,792, plus strand): 5'-GTCCCATCAGGATTGAGGAGGAGGTCAAGGAAACTGGGGAAGCCCTGTTGCCTCAAGAGG[AAAACAGAAGGGAAG>A]AAACATGTGCCCCTGTAAGTCCAAACACATCACCAGGTGAAAAACCAGAAGATGATCTCA-3'

ClinVar aggregate classification (germline): Pathogenic (1 of 4 stars; one submission).

Submission:

GeneDx
Classification: Pathogenic. Last evaluated: 2019-04-17. Review status: criteria provided, single submitter. Criteria: GeneDx Variant Classification Process June 2021. Collection method: clinical testing. Allele origin: germline. Affected: yes.
Comment: Frameshift variant in the C-terminus predicted to result in protein truncation, as the last 749 amino acids are lost and replaced with 11 incorrect amino acids; Not observed in large population cohorts (Lek et al., 2016); Has not been previously published as pathogenic or benign to our knowledge